The following is an entry in ClinVar:

NM_000091.5(COL4A3):c.3312AAGTCCTGG[1] (p.1105SPG[1])

Genes: COL4A3 (collagen type IV alpha 3 chain; plus strand), MFF-DT (MFF divergent transcript; minus strand). Cytogenetic location: 2q36.3.
Variant type: Microsatellite.
Coding change: c.3312AAGTCCTGG[1] on transcript NM_000091.5 (MANE Select); one copy of the 9-base unit AAGTCCTGG starting at c.3312; the reference has two copies in a row; one copy, 9 bases deleted; also written c.3321_3329del.
Protein change: p.1105SPG[1].
Molecular consequence: inframe deletion.
Genome position (GRCh38, 1-based): chr2:227,293,301-227,293,309, AAGTCCTGG deleted; deleting any 9 consecutive bases within chr2:227,293,287-227,293,309 gives the same sequence; the position shown is the placement nearest the transcript's 3' end. VCF-style (leftmost placement, unchanged base first): chr2-227293286-CCCTGGAAGT-C. GRCh37 (hg19) VCF-style: chr2-228158002-CCCTGGAAGT-C.
Other names: p.(Ser1108_Gly1110del); c.3321_3329del9 (NM_000091.4); c.3321_3329delAAGTCCTGG (NM_000091.4, NM_000091.5); c.3321_3329del (NM_000091.5).
Identifiers: ClinVar variation 553803 (VCV000553803.64), dbSNP rs756539994, ClinGen allele CA2147178.

ClinVar aggregate classification (germline): Conflicting classifications of pathogenicity. Review status: criteria provided, conflicting classifications (1 of 4 stars). 19 submissions from 19 submitters: Pathogenic (4); Likely pathogenic (10); Uncertain significance (4). 1 of the submissions does not count toward it. Last evaluated 2026-07-01.

Conditions:
Autosomal dominant Alport syndrome (ATS3A). Also called: ALPORT SYNDROME 3A, AUTOSOMAL DOMINANT; Alport syndrome dominant type; Renal failure and sensorineural hearing loss. Identifiers: Orphanet 63, Orphanet 88918, MedGen C5882663, MONDO:0007086, OMIM 104200.
Alport syndrome 3b, autosomal recessive. Identifiers: MedGen C5882699, MONDO:0957811, OMIM 620536.
Hematuria, benign familial, 2 (BFH2). Identifiers: MedGen C5830421, MONDO:0958186, OMIM 620320.
Inborn genetic diseases. Identifiers: MedGen C0950123, MeSH D030342.
Alport syndrome. Also called: Hemorrhagic familial nephritis; Hemorrhagic hereditary nephritis; Congenital hereditary hematuria. Identifiers: Orphanet 63, MedGen C1567741, MONDO:0018965.
Autosomal recessive Alport syndrome (ATS2). Also called: ALPORT SYNDROME 2, AUTOSOMAL RECESSIVE; Alport syndrome type 2; COL4A3-Related Nephropathy; COL4A4 Alport Syndrome and Thin Basement Membrane Nephropathy. Identifiers: Orphanet 63, Orphanet 88919, MedGen C4746745, MONDO:0008762, OMIM 203780.
COL4A3-related disorder. Also called: COL4A3-Related Disorders; COL4A3-related condition.

Submissions 1 to 9 of 19:

GeneDx
Classification: Likely pathogenic. Last evaluated: 2026-07-01. Review status: criteria provided, single submitter. Criteria: GeneDx Variant Classification Process June 2021. Collection method: clinical testing. Allele origin: germline.
Comment: Observed in affected members of a family in published literature who had a different genetic etiology for the phenotype (PMID: 33233744); In-frame deletion of 3 amino acids within the triple helical domain expected to disrupt normal protein folding and function; In silico analysis supports a deleterious effect on protein structure/function; This variant is associated with the following publications: (PMID: 31589614, 15618242, 36013122, 36292665, 12028435, 38214412, 40949880, 38790222, 40044766, 33233744, 41872207)

Service of Pediatric Gastrohepatology and Metabolic Diseases, University of Medicine of Tirana
Classification: Pathogenic for Autosomal dominant Alport syndrome. Last evaluated: 2026-04-29. Review status: criteria provided, single submitter. Criteria: ACMG Guidelines, 2015. Collection method: clinical testing. Allele origin: germline. Inheritance: Autosomal dominant inheritance. Affected: yes. Observed: 1 variant allele.
Comment: COL4A3 c.3321_3329del was classified as Pathogenic using ACMG/AMP 2015 criteria (PMID:25741868). The indel was interpreted as a protein-disrupting variant in COL4A3, with PVS1/PM4-type evidence depending on the final transcript consequence, PM2 for rarity/absence in population databases when reviewed, and PP4 for phenotype consistency with COL4A3-related Alport syndrome (OMIM:104200).

PreventionGenetics, part of Exact Sciences
Classification: Pathogenic for COL4A3-related condition. Last evaluated: 2026-04-05. Review status: criteria provided, single submitter. Criteria: ACMG Guidelines, 2015. Collection method: clinical testing. Allele origin: germline.
Comment: The COL4A3 c.3321_3329del9 variant is predicted to result in an in-frame deletion (p.Ser1108_Gly1110del). This variant was also reported with either COL4A4 or COL4A5 Gly substitution variants in three family members of a large family with proposed digenic inheritance for COL4A-related disorders (reported as c.3307_3315del in Zupan et al. 2020. PubMed ID: 33233744). At PreventionGenetics, we have observed the c.3321_3329del9 variant in the heterozygous state alone or in the presence of a second pathogenic COL4A3 variant in patients with Alport syndrome spectrum renal disorders (Internal Data). This variant is located within the sequence region that encodes the conserved triple helical domain, where substitutions or in-frame deletions of the glycine are usually pathogenic (UniProt residues 43-1438, Hudson et al. 1993. PubMed ID: 8253711; see for example, p.Gly139Arg in Plevova et al. 2023. PubMed ID: 36844206; p.Lys577_Leu579del in Hou et al. 2008. PubMed ID: 18649777 and p.Ala990_Pro993del in Hirabayashi et al. 2022. PubMed ID: 36292665). This variant is reported in 0.011% of alleles in individuals of Latino descent in gnomAD. This variant is interpreted as pathogenic for both autosomal dominant and recessive COL4A3-related Alport syndrome spectrum disorders.

Centre de Génétique Humaine, Institut de Pathologie Et de Génétique
Classification: Likely pathogenic for Autosomal dominant Alport syndrome; Hematuria, benign familial, 2. Last evaluated: 2026-02-18. Review status: criteria provided, single submitter. Criteria: ACMG Guidelines, 2015. Collection method: clinical testing. Allele origin: germline. Inheritance: Autosomal dominant inheritance. Affected: yes. Observed: 3 variant alleles, 3 heterozygotes. Clinical features observed: Hematuria (HP:0000790), Proteinuria (HP:0000093), Sensorineural hearing loss disorder (HP:0000407), Microscopic hematuria (HP:0002907). Segregation with disease observed.
Comment: Inframe deletion including Gly1107 residue located in collagenous region (PM1 and PM4). This variant is rare: allelic frequency of 0.0027% in gnomAD v4.1.0 database (PM2). Described as LP or VUS in AD Alport Syndrome and familial benign hematuria (PP5)

Myriad Genetics, Inc.
Classification: Likely pathogenic for Alport syndrome. Last evaluated: 2025-11-25. Review status: criteria provided, single submitter. Criteria: Myriad Autosomal Dominant, Autosomal Recessive and X-Linked Classification Criteria (2023). Collection method: clinical testing. Allele origin: unknown.
Comment: NM_000091.4(COL4A3):c.3321_3329del9(S1108_G1110del) is an in-frame deletion classified as likely pathogenic in the context of Alport syndrome, COL4A3-related. S1108_G1110del has been observed in cases with relevant disease (PMID: 12028435, 38214412, 35759000, 40949880). Relevant functional assessments of this variant are not available in the literature. Internal structural analysis of the variant is supportive of pathogenicity. S1108_G1110del has been observed in referenced population frequency databases. In summary, NM_000091.4(COL4A3):c.3321_3329del9(S1108_G1110del) is an in-frame deletion that has been observed more frequently in cases with the relevant disease than in healthy populations. Please note: this variant was assessed in the context of healthy population screening.

Ambry Genetics
Classification: Uncertain significance for Inborn genetic diseases. Last evaluated: 2025-09-21. Review status: criteria provided, single submitter. Criteria: Ambry Variant Classification Scheme 2023. Collection method: clinical testing. Allele origin: germline.
Comment: The c.3321_3329delAAGTCCTGG (p.S1108_G1110del) alteration is located in exon 38 (coding exon 38) of the COL4A3 gene. This alteration consists of an in-frame deletion of 9 nucleotides between nucleotide positions c.3321 and c.3329, resulting in the deletion of 3 amino acids between coding exon 1108 and 1110. Based on data from gnomAD, the --------- allele has an overall frequency of 0.004% (12/280764) total alleles studied. The highest observed frequency was 0.011% (4/35334) of Latino alleles. Based on insufficient or conflicting evidence, the clinical significance of this alteration remains unclear.

3billion
Classification: Likely pathogenic for Alport syndrome 3b, autosomal recessive. Last evaluated: 2025-04-01. Review status: criteria provided, single submitter. Criteria: ACMG Guidelines, 2015. Collection method: clinical testing. Allele origin: germline. Affected: yes.

Genomic Medicine Center of Excellence, King Faisal Specialist Hospital and Research Centre
Classification: Uncertain significance for Alport syndrome 3b, autosomal recessive. Last evaluated: 2024-12-18. Review status: criteria provided, single submitter. Criteria: ACMG Guidelines, 2015. Collection method: clinical testing. Allele origin: germline.

Victorian Clinical Genetics Services, Murdoch Childrens Research Institute
Classification: Likely pathogenic for Alport syndrome. Last evaluated: 2024-10-08. Review status: criteria provided, single submitter. Criteria: ACMG Guidelines, 2015. Collection method: clinical testing. Allele origin: germline. Affected: yes.
Comment: Based on the classification scheme VCGS_Germline_v1.3.4, this variant is classified as Likely Pathogenic. Following criteria are met: 0103 - Dominant negative and loss-of-function are known mechanisms of disease in this gene and are associated with Alport syndrome (MONDO:0018965), COL4A3-related. Glycine changes that are part of a G-X-Y repeat in the triple helix of a collagen domain are known to have a dominant negative effect (PMID: 12028435). (I) 0108 - This gene is associated with both recessive (Alport syndrome 2 MIM#203780) and dominant disease (Alport syndrome 3 MIM#104200 and benign familial hematuria MIM#141200) (OMIM). (I) 0216 - In-frame deletion in a non-repetitive region that has low conservation. (SP) 0251 - This variant is heterozygous. (I) 0304 - Variant is present in gnomAD <0.01 (v2: 12 heterozygotes, 0 homozygotes). (SP) 0601 - Variant is located in the well-established functional triple helical domain (DECIPHER). However, this in-frame deletion restores a G-X-Y repeat. (SP) 0705 - No comparable in-frame deletion or missense variants have previous evidence for pathogenicity. (I) 0801 - This variant has strong previous evidence of pathogenicity in unrelated individuals. This variant has been observed in three heterozygote individuals, one with Alport syndrome (PMID: 12028435), one with bilateral hearing loss and congenital hypothyroidism (PMID: 34178707) and one with haematuria and proteinuria (VCGS internal database). It has also been classified as likely pathogenic or pathogenic by diagnostic laboratories in ClinVar, as well as VUS classifications. (SP) 0905 - No published segregation evidence has been identified for this variant. (I) 1007 - No published functional evidence has been identified for this variant. (I) 1208 - Inheritance information for this variant is not currently available in this individual. (I) Legend: (SP) - Supporting pathogenic, (I) - Information, (SB) - Supporting benign